The following is an entry in ClinVar:

NM_001458.5(FLNC):c.924C>T (p.Gly308=)

Gene: FLNC (filamin C; plus strand). Cytogenetic location: 7q32.1.
Variant type: single nucleotide variant.
Coding change: c.924C>T on transcript NM_001458.5 (MANE Select); coding-DNA position 924, C replaced by T.
Protein change: p.Gly308=; no amino-acid change (glycine 308 retained).
Molecular consequence: synonymous variant.
Genome position (GRCh38, 1-based): chr7:128,837,710, C>T. VCF-style: chr7-128837710-C-T. GRCh37 (hg19) VCF-style: chr7-128477764-C-T.
Other names: c.924C>T, p.Gly308= (NM_001127487.2).
Identifiers: ClinVar variation 472189 (VCV000472189.17), dbSNP rs541392206, ClinGen allele CA4474170.

ClinVar aggregate classification (germline): Likely benign. Review status: criteria provided, multiple submitters, no conflicts (2 of 4 stars). 4 submissions from 4 submitters: Likely benign (4). Last evaluated 2026-05-01.

Conditions:
Cardiovascular phenotype. Identifiers: MedGen CN230736.
Hypertrophic cardiomyopathy 26. Also called: Cardiomyopathy, familial hypertrophic, 26. Identifiers: Orphanet 75249, MedGen C4310749, MONDO:0014883, OMIM 617047.
Myofibrillar myopathy 5. Also called: Filaminopathy (type); FILAMINOPATHY, AUTOSOMAL DOMINANT. Identifiers: Orphanet 171445, MedGen C1836050, MONDO:0012289, OMIM 609524.
Distal myopathy with posterior leg and anterior hand involvement. Also called: WILLIAMS DISTAL MYOPATHY. Identifiers: Orphanet 63273, MedGen C3279722, MONDO:0013550, OMIM 614065.

Allele frequency attached by ClinVar (database versions not stated): ExAC 0.00001; gnomAD exomes 0.00001 and 0.00004; gnomAD 0.00002 and 0.00003; TOPMed 0.00002; 1000 Genomes Project 30x 0.00016; 1000 Genomes Project 0.00020.
gnomAD v4.1: 24 of 1,606,026 alleles (0.0015%); highest among the groups gnomAD compares: East Asian, 0.027%; no homozygotes.

Submissions (5):

CeGaT Center for Human Genetics Tuebingen
Classification: Likely benign. Last evaluated: 2026-05-01. Review status: criteria provided, single submitter. Criteria: CeGaT Center For Human Genetics Tuebingen Variant Classification Criteria Version 2. Collection method: clinical testing. Allele origin: germline. Affected: yes. Observed: 1 variant allele.
Comment: FLNC: BP4, BP7

Labcorp Genetics (formerly Invitae), Labcorp
Classification: Likely benign for Distal myopathy with posterior leg and anterior hand involvement; Myofibrillar myopathy 5; Hypertrophic cardiomyopathy 26. Last evaluated: 2025-12-21. Review status: criteria provided, single submitter. Criteria: Invitae Variant Classification Sherloc (09022015). Collection method: clinical testing. Allele origin: germline.

Blueprint Genetics
Classification: Likely benign. Last evaluated: 2024-09-12. Review status: criteria provided, single submitter. Criteria: ACMG Guidelines, 2015. Collection method: clinical testing. Allele origin: germline.

Ambry Genetics
Classification: Likely benign for Cardiovascular phenotype. Last evaluated: 2024-03-31. Review status: criteria provided, single submitter. Criteria: Ambry Variant Classification Scheme 2023. Collection method: clinical testing. Allele origin: germline.

Dr. Peter K. Rogan Lab, Western University
No classification provided (evidence only). Condition: Gastric cancer. Review status: no classification provided. Collection method: in vitro. Allele origin: not applicable. Functional consequence: retained intron. Not counted in ClinVar's aggregate classification.